The following is an entry in ClinVar:

ClinVar aggregate classification (germline): Uncertain significance (1 of 4 stars; one submission).

Conditions:
Inborn genetic diseases. Identifiers: MedGen C0950123, MeSH D030342.

Submission:

Ambry Genetics
Classification: Uncertain significance for Inborn genetic diseases. Last evaluated: 2018-09-25. Review status: criteria provided, single submitter. Criteria: Ambry Variant Classification Scheme 2023. Collection method: clinical testing. Allele origin: germline.
Comment: The c.5802_5804delAGA variant (also known as p.E1934del) is located in coding exon 41 of the SZT2 gene. This variant results from an in-frame AGA deletion at nucleotide positions 5802 to 5804. This results in the in-frame deletion of a glutamic acid at codon 1934. This amino acid position is highly conserved in available vertebrate species. In addition, this alteration is predicted to be deleterious by PROVEAN in silico analysis (Choi Y et al., PLoS ONE 2012; 7(10):e46688). Since supporting evidence is limited at this time, the clinical significance of this alteration remains unclear.

NM_001365999.1(SZT2):c.5970AGA[1] (p.Glu1991del)

Gene: SZT2 (SZT2 subunit of KICSTOR complex; plus strand). Cytogenetic location: 1p34.2.
Variant type: Microsatellite.
Coding change: c.5970AGA[1] on transcript NM_001365999.1 (MANE Select); one copy of the 3-base unit AGA starting at c.5970; the reference has two copies in a row; one copy, 3 bases deleted.
Protein change: p.Glu1991del; deletes glutamic acid 1991.
Molecular consequence: inframe deletion.
Genome position (GRCh38, 1-based): chr1:43,435,268-43,435,270, AGA deleted; deleting any 3 consecutive bases within chr1:43,435,263-43,435,270 gives the same sequence; the position shown is the placement nearest the transcript's 3' end. VCF-style (leftmost placement, unchanged base first): chr1-43435262-TGAA-T. GRCh37 (hg19) VCF-style: chr1-43900933-TGAA-T.
Other names: c.5799AGA[1], p.Glu1934del (NM_015284.4); short protein forms E1991del, E1934del.
Identifiers: ClinVar variation 1749786 (VCV001749786.2), dbSNP rs1160046674, ClinGen allele CA735972127.
Genomic context (GRCh38, chr1:43,435,262, plus strand): 5'-ACTGCTTCTTCAAGACCTTCATGACAGCCACGTGTGTAACTCTCTTCTGGTGGCCGAGAG[TGAA>T]GAAGATCTGTGGCGCAGTGAGACTCCCTTCCACTCCCGTCAGCGGGCACCACTGCCCAGT-3'